The following is an entry in ClinVar:

ClinVar aggregate classification (germline): Uncertain significance (1 of 4 stars; one submission).

Conditions:
Dyskeratosis congenita, autosomal dominant 2. Identifiers: MedGen C3151443, MONDO:0013521, OMIM 613989.
Idiopathic Pulmonary Fibrosis. Also called: Idiopathic fibrosing alveolitis, chronic form; idiopathic fibrosing alveolitis. Identifiers: Orphanet 2032, MedGen C1800706, MeSH D054990, MONDO:0800504.

Submission:

Labcorp Genetics (formerly Invitae), Labcorp
Classification: Uncertain significance for Dyskeratosis congenita, autosomal dominant 2; Idiopathic Pulmonary Fibrosis. Last evaluated: 2023-08-07. Review status: criteria provided, single submitter. Criteria: Invitae Variant Classification Sherloc (09022015). Collection method: clinical testing. Allele origin: germline.
Comment: In summary, the available evidence is currently insufficient to determine the role of this variant in disease. Therefore, it has been classified as a Variant of Uncertain Significance. Advanced modeling of protein sequence and biophysical properties (such as structural, functional, and spatial information, amino acid conservation, physicochemical variation, residue mobility, and thermodynamic stability) performed at Invitae indicates that this missense variant is expected to disrupt TERT protein function. This variant has not been reported in the literature in individuals affected with TERT-related conditions. This variant is not present in population databases (gnomAD no frequency). This sequence change replaces serine, which is neutral and polar, with tyrosine, which is neutral and polar, at codon 368 of the TERT protein (p.Ser368Tyr).

NM_198253.3(TERT):c.1103C>A (p.Ser368Tyr)

Gene: TERT (telomerase reverse transcriptase; minus strand). Cytogenetic location: 5p15.33.
Variant type: single nucleotide variant.
Coding change: c.1103C>A on transcript NM_198253.3 (MANE Select); coding-DNA position 1103, C replaced by A.
Protein change: p.Ser368Tyr; replaces serine 368 with tyrosine.
Molecular consequence: missense variant. On other transcripts: non-coding transcript variant (2).
Genome position (GRCh38, 1-based): chr5:1,293,783, G>T on the plus strand (C>A on the coding strand, the complement: TERT is on the minus strand). VCF-style: chr5-1293783-G-T. GRCh37 (hg19) VCF-style: chr5-1293898-G-T.
Other names: c.1103C>A, p.Ser368Tyr (NM_001193376.3, NM_003219.1); short protein forms S368Y.
Identifiers: ClinVar variation 2950755 (VCV002950755.3), dbSNP rs1751163294, ClinGen allele CA359055574.